The following is an entry in ClinVar:

ClinVar aggregate classification (germline): Uncertain significance. Review status: criteria provided, multiple submitters, no conflicts (2 of 4 stars). 2 submissions from 2 submitters: Uncertain significance (2). Last evaluated 2022-06-14.

Conditions:
Glutamate formiminotransferase deficiency. Also called: Arakawa syndrome 1; Formiminoglutamic aciduria. Identifiers: Orphanet 51208, MedGen C0268609, MONDO:0009240, OMIM 229100.

Allele frequency attached by ClinVar (database versions not stated): gnomAD 0.00002; gnomAD exomes 0.00002 and 0.00006; ExAC 0.00003; TOPMed 0.00006; ESP Exome Variant Server 0.00008.

Submissions (2):

Labcorp Genetics (formerly Invitae), Labcorp
Classification: Uncertain significance for Glutamate formiminotransferase deficiency. Last evaluated: 2022-06-14. Review status: criteria provided, single submitter. Criteria: Invitae Variant Classification Sherloc (09022015). Collection method: clinical testing. Allele origin: germline.
Comment: ClinVar contains an entry for this variant (Variation ID: 502351). Algorithms developed to predict the effect of missense changes on protein structure and function are either unavailable or do not agree on the potential impact of this missense change (SIFT: "Deleterious"; PolyPhen-2: "Possibly Damaging"; Align-GVGD: "Class C0"). In summary, the available evidence is currently insufficient to determine the role of this variant in disease. Therefore, it has been classified as a Variant of Uncertain Significance. This variant has not been reported in the literature in individuals affected with FTCD-related conditions. This sequence change replaces alanine, which is neutral and non-polar, with valine, which is neutral and non-polar, at codon 66 of the FTCD protein (p.Ala66Val). This variant is present in population databases (rs199867833, gnomAD 0.005%).

Eurofins Ntd Llc (ga)
Classification: Uncertain significance. Last evaluated: 2017-06-07. Review status: criteria provided, single submitter. Criteria: EGL Classification Definitions 2015. Collection method: clinical testing. Allele origin: germline. Observed: 1 variant allele, 1 heterozygote.

NM_206965.2(FTCD):c.197C>T (p.Ala66Val)

Gene: FTCD (formimidoyltransferase cyclodeaminase; minus strand). Cytogenetic location: 21q22.3.
Variant type: single nucleotide variant.
Coding change: c.197C>T on transcript NM_206965.2 (MANE Select); coding-DNA position 197, C replaced by T.
Protein change: p.Ala66Val; replaces alanine 66 with valine.
Molecular consequence: missense variant.
Genome position (GRCh38, 1-based): chr21:46,154,190, G>A on the plus strand (C>T on the coding strand, the complement: FTCD is on the minus strand). VCF-style: chr21-46154190-G-A. GRCh37 (hg19) VCF-style: chr21-47574104-G-A.
Other names: c.197C>T, p.Ala66Val (NM_001320412.2, NM_006657.3); short protein forms A66V.
Identifiers: ClinVar variation 502351 (VCV000502351.13), dbSNP rs199867833, ClinGen allele CA10074022.